The following is an entry in ClinVar:

ClinVar aggregate classification (germline): Conflicting classifications of pathogenicity. Review status: criteria provided, conflicting classifications (1 of 4 stars). 7 submissions from 7 submitters: Uncertain significance (6); Likely benign (1). Last evaluated 2025-10-22.

Conditions:
Hereditary spherocytosis type 3. Also called: SPTA1-Related Spherocytosis; Spherocytosis type 3. Identifiers: Orphanet 822, MedGen C2678338, MONDO:0010053, OMIM 270970.

Allele frequency attached by ClinVar (database versions not stated): gnomAD 0.00016; ESP Exome Variant Server 0.00033.
gnomAD v4.1: 715 of 1,613,696 alleles (0.044%); highest among the groups gnomAD compares: Non-Finnish European, 0.057%; no homozygotes.

Submissions (7):

GeneDx
Classification: Uncertain significance. Last evaluated: 2025-10-22. Review status: criteria provided, single submitter. Criteria: GeneDx Variant Classification Process June 2021. Collection method: clinical testing. Allele origin: germline. Affected: yes.
Comment: Has not been previously published as pathogenic or benign to our knowledge; In silico analysis supports that this missense variant has a deleterious effect on protein structure/function

Labcorp Genetics (formerly Invitae), Labcorp
Classification: Likely benign. Last evaluated: 2025-10-05. Review status: criteria provided, single submitter. Criteria: Invitae Variant Classification Sherloc (09022015). Collection method: clinical testing. Allele origin: germline.

ARUP Laboratories, Molecular Genetics and Genomics, ARUP Laboratories
Classification: Uncertain significance. Last evaluated: 2024-11-01. Review status: criteria provided, single submitter. Criteria: ARUP Molecular Germline Variant Investigation Process 2024. Collection method: clinical testing. Allele origin: germline.
Comment: The SPTA1 c.3841C>T;p.Arg1281Cys variant (rs199685020), to our knowledge, is not reported in the medical literature but is reported in ClinVar (Variation ID: 1331112). This variant is found predominantly in the non-Finnish European population with an allele frequency of 0.03% (35/128406 alleles) in the Genome Aggregation Database (v2.1.1). Computational analyses are uncertain whether this variant is neutral or deleterious (REVEL: 0.54). Due to limited information, the clinical significance of this variant is uncertain at this time.

CeGaT Center for Human Genetics Tuebingen
Classification: Uncertain significance. Last evaluated: 2024-08-01. Review status: criteria provided, single submitter. Criteria: CeGaT Center For Human Genetics Tuebingen Variant Classification Criteria Version 2. Collection method: clinical testing. Allele origin: germline. Affected: yes. Observed: 1 variant allele.
Comment: SPTA1: PM2, BP4

Revvity Omics, Revvity
Classification: Uncertain significance. Last evaluated: 2024-04-26. Review status: criteria provided, single submitter. Criteria: ACMG Guidelines, 2015. Collection method: clinical testing. Allele origin: germline.

Breakthrough Genomics
Classification: Uncertain significance. Review status: criteria provided, single submitter. Criteria: ACMG Guidelines, 2015. Collection method: not provided. Allele origin: germline. Inheritance: Autosomal recessive inheritance. Affected: yes.

Neuberg Centre For Genomic Medicine, NCGM
Classification: Uncertain significance for Hereditary spherocytosis type 3. Review status: criteria provided, single submitter. Criteria: ACMG Guidelines, 2015. Collection method: clinical testing. Allele origin: germline. Inheritance: Autosomal recessive inheritance. Affected: yes.

NM_003126.4(SPTA1):c.3841C>T (p.Arg1281Cys)

Gene: SPTA1 (spectrin alpha, erythrocytic 1; minus strand). Cytogenetic location: 1q23.1.
Variant type: single nucleotide variant.
Coding change: c.3841C>T on transcript NM_003126.4 (MANE Select); coding-DNA position 3841, C replaced by T.
Protein change: p.Arg1281Cys; replaces arginine 1281 with cysteine.
Molecular consequence: missense variant.
Genome position (GRCh38, 1-based): chr1:158,647,594, G>A on the plus strand (C>T on the coding strand, the complement: SPTA1 is on the minus strand). VCF-style: chr1-158647594-G-A. GRCh37 (hg19) VCF-style: chr1-158617384-G-A.
Other names: short protein forms R1281C.
Identifiers: ClinVar variation 1331112 (VCV001331112.26), dbSNP rs199685020, ClinGen allele CA1182919.
Genomic context (GRCh38, chr1:158,647,594, plus strand): 5'-TCTACCTGGCCTTGCTGAGGAACAGGTAGAATTTCTGGGCCTCATTTAGGCTCTCCTTAC[G>A]ATCCTTTGTACGCCCCTGCAGGTCTTCCCAGGCCTCATTCAGCTCCATTTTCTGTCTCTG-3'
Protein context (NP_003117.2, residues 1271-1291): WEDLQGRTKD[Arg1281Cys]KESLNEAQKF